The following is an entry in ClinVar:

ClinVar aggregate classification (germline): Uncertain significance (1 of 4 stars; one submission).

gnomAD v4.1: 4 of 1,613,802 alleles (0.00025%); highest among the groups gnomAD compares: Non-Finnish European, 0.00034%; no homozygotes.

Submission:

Women's Health and Genetics/Laboratory Corporation of America, LabCorp
Classification: Uncertain significance. Last evaluated: 2026-06-18. Review status: criteria provided, single submitter. Criteria: LabCorp Variant Classification Summary - May 2015. Collection method: clinical testing. Allele origin: germline.
Comment: Variant summary: CDC42BPB c.1553G>T (p.Arg518Leu) results in a non-conservative amino acid change in the encoded protein sequence. Algorithms developed to predict the effect of missense changes on protein structure and function are either unavailable or do not agree on the potential impact of this missense change. The variant allele was found at a frequency of 4e-06 in 251024 control chromosomes. The available data on variant occurrences in the general population are insufficient to allow any conclusion about variant significance. To our knowledge, no occurrence of c.1553G>T in individuals affected with CDC42BPB-related conditions and no experimental evidence demonstrating its impact on protein function have been reported. No submitters have cited clinical-significance assessments for this variant to ClinVar. Based on the evidence outlined above, the variant was classified as uncertain significance.

NM_006035.4(CDC42BPB):c.1553G>T (p.Arg518Leu)

Gene: CDC42BPB (CDC42 binding protein kinase beta; minus strand). Cytogenetic location: 14q32.32.
Variant type: single nucleotide variant.
Coding change: c.1553G>T on transcript NM_006035.4 (MANE Select); coding-DNA position 1553, G replaced by T.
Protein change: p.Arg518Leu; replaces arginine 518 with leucine.
Molecular consequence: missense variant.
Genome position (GRCh38, 1-based): chr14:102,974,104, C>A on the plus strand (G>T on the coding strand, the complement: CDC42BPB is on the minus strand). VCF-style: chr14-102974104-C-A. GRCh37 (hg19) VCF-style: chr14-103440441-C-A.
Other names: c.1553G>T, p.Arg518Leu (NM_001411054.1); short protein forms R518L.
Identifiers: ClinVar variation 4887157 (VCV004887157.1).
Genomic context (GRCh38, chr14:102,974,104, plus strand): 5'-ACCACGCGGTGCTGCTTCTCCAGCCCCCGCAGCCGCTGCGTGGAGTCCTCACGCTCTTGG[C>A]GAAGCGCCACTGTGTCCTCAAGCTGTCGCTCGAGCCTGTTTGAATCTGGACAAAAGAGGA-3'
Protein context (NP_006026.3, residues 508-528): ERQLEDTVAL[Arg518Leu]QEREDSTQRL